The following is an entry in ClinVar:

ClinVar aggregate classification (germline): Uncertain significance (1 of 4 stars; one submission).

Allele frequency attached by ClinVar (database versions not stated): ExAC 0.00001; gnomAD exomes 0.00001; gnomAD 0.00002.
gnomAD v4.1: 14 of 1,558,688 alleles (0.0009%); highest among the groups gnomAD compares: Non-Finnish European, 0.0012%; no homozygotes.

Submission:

Labcorp Genetics (formerly Invitae), Labcorp
Classification: Uncertain significance. Last evaluated: 2026-01-29. Review status: criteria provided, single submitter. Criteria: Invitae Variant Classification Sherloc (09022015). Collection method: clinical testing. Allele origin: germline.
Comment: This sequence change replaces glycine, which is neutral and non-polar, with glutamic acid, which is acidic and polar, at codon 486 of the TCF3 protein (p.Gly486Glu). This variant is present in population databases (rs775397772, gnomAD 0.003%). This variant has not been reported in the literature in individuals affected with TCF3-related conditions. ClinVar contains an entry for this variant (Variation ID: 1510868). Invitae Evidence Modeling of protein sequence and biophysical properties (such as structural, functional, and spatial information, amino acid conservation, physicochemical variation, residue mobility, and thermodynamic stability) indicates that this missense variant is not expected to disrupt TCF3 protein function with a negative predictive value of 80%. In summary, the available evidence is currently insufficient to determine the role of this variant in disease. Therefore, it has been classified as a Variant of Uncertain Significance.

NM_003200.5(TCF3):c.1457G>A (p.Gly486Glu)

Gene: TCF3 (transcription factor 3; minus strand). Cytogenetic location: 19p13.3.
Variant type: single nucleotide variant.
Coding change: c.1457G>A on transcript NM_003200.5 (MANE Select); coding-DNA position 1457, G replaced by A.
Protein change: p.Gly486Glu; replaces glycine 486 with glutamic acid.
Molecular consequence: missense variant.
Genome position (GRCh38, 1-based): chr19:1,615,815, C>T on the plus strand (G>A on the coding strand, the complement: TCF3 is on the minus strand). VCF-style: chr19-1615815-C-T. GRCh37 (hg19) VCF-style: chr19-1615814-C-T.
Other names: c.1457G>A, p.Gly486Glu (NM_001136139.4, NM_001351779.2); c.1454G>A, p.Gly485Glu (NM_001351778.2); short protein forms G486E, G485E.
Identifiers: ClinVar variation 1510868 (VCV001510868.6), dbSNP rs775397772, ClinGen allele CA9049813.